The following is an entry in ClinVar:

ClinVar aggregate classification (germline): Uncertain significance (1 of 4 stars; one submission).

Conditions:
ADAR-related disorder. Also called: ADAR-related disorders; ADAR-related condition.

gnomAD v4.1: 1 of 1,614,180 alleles (0.000062%); highest among the groups gnomAD compares: Non-Finnish European, 0.000085%; no homozygotes.

Submission:

PreventionGenetics, part of Exact Sciences
Classification: Uncertain significance for ADAR-related condition. Last evaluated: 2024-12-04. Review status: criteria provided, single submitter. Criteria: ACMG Guidelines, 2015. Collection method: clinical testing. Allele origin: germline.
Comment: The ADAR c.1542C>G variant is predicted to result in the amino acid substitution p.Phe514Leu. To our knowledge, this variant has not been reported in the literature or in a large population database (gnomAD), indicating this variant is rare. At this time, the clinical significance of this variant is uncertain due to the absence of conclusive functional and genetic evidence.

NM_001111.5(ADAR):c.1542C>G (p.Phe514Leu)

Gene: ADAR (adenosine deaminase RNA specific; minus strand). Cytogenetic location: 1q21.3.
Variant type: single nucleotide variant.
Coding change: c.1542C>G on transcript NM_001111.5 (MANE Select); coding-DNA position 1542, C replaced by G.
Protein change: p.Phe514Leu; replaces phenylalanine 514 with leucine.
Molecular consequence: missense variant.
Genome position (GRCh38, 1-based): chr1:154,601,100, G>C on the plus strand (C>G on the coding strand, the complement: ADAR is on the minus strand). VCF-style: chr1-154601100-G-C. GRCh37 (hg19) VCF-style: chr1-154573576-G-C.
Other names: c.657C>G, p.Phe219Leu (NM_001025107.3, NM_001193495.2, NM_001365046.1 and 3 more transcripts); c.1569C>G, p.Phe523Leu (NM_001365045.1); c.1542C>G, p.Phe514Leu (NM_015840.4, NM_015841.4); short protein forms F219L, F514L, F523L.
Identifiers: ClinVar variation 4997498 (VCV004997498.1).